The following is an entry in ClinVar:

NM_001267550.2(TTN):c.66618C>A (p.Cys22206Ter)

Genes: TTN-AS1 (TTN antisense RNA 1; plus strand), TTN (titin; minus strand). Cytogenetic location: 2q31.2.
Variant type: single nucleotide variant.
Coding change: c.66618C>A on transcript NM_001267550.2 (MANE Select); coding-DNA position 66618, C replaced by A.
Protein change: p.Cys22206Ter; replaces cysteine 22206 with a stop codon.
Molecular consequence: nonsense.
Genome position (GRCh38, 1-based): chr2:178,581,650, G>T on the plus strand (C>A on the coding strand, the complement: TTN is on the minus strand). VCF-style: chr2-178581650-G-T. GRCh37 (hg19) VCF-style: chr2-179446377-G-T.
Other names: c.58914C>A, p.Cys19638Ter (NM_133378.4); c.61695C>A, p.Cys20565Ter (NM_001256850.1); c.39423C>A, p.Cys13141Ter (NM_003319.4); c.39798C>A, p.Cys13266Ter (NM_133432.3); c.39999C>A, p.Cys13333Ter (NM_133437.4); short protein forms C22206*, C19638*, C13141*, C13266*, C20565*, C13333*.
Identifiers: ClinVar variation 47237 (VCV000047237.9), dbSNP rs397517664, ClinGen allele CA261896.
Genomic context (GRCh38, chr2:178,581,650, plus strand): 5'-TGTGTCTTCCATCAGGCCAGTAACCTCAAAGCGGGTTTTCTGTAGATTCTGTGGTAAGTT[G>T]CACCTCACCCAGTTATCGGAGTCAGCCCGTTTTACTTCAACGAGATAACCAATGATAGGG-3'

ClinVar aggregate classification (germline): Pathogenic/Likely pathogenic. Review status: criteria provided, multiple submitters, no conflicts (2 of 4 stars). 2 submissions from 2 submitters: Pathogenic (1); Likely pathogenic (1). Last evaluated 2023-05-25.

Conditions:
Dilated cardiomyopathy 1G (CMD1G). Identifiers: Orphanet 154, MedGen C1858763, MONDO:0011400, OMIM 604145.
Autosomal recessive limb-girdle muscular dystrophy type 2J (LGMDR10). Also called: Limb-girdle muscular dystrophy, type 2J; MUSCULAR DYSTROPHY, LIMB-GIRDLE, AUTOSOMAL RECESSIVE 10. Identifiers: Orphanet 140922, MedGen C1837342, MONDO:0012127, OMIM 608807.
Primary dilated cardiomyopathy (DCM). Also called: Dilated Cardiomyopathy. Identifiers: Orphanet 217604, MedGen C0007193, MeSH D002311, MONDO:0005021, HP:0001644. Inheritance: Various modes of inheritance.

Allele frequency attached by ClinVar (database versions not stated): gnomAD exomes below 0.00001; ExAC 0.00001.
gnomAD v4.1: 2 of 1,612,770 alleles (0.00012%); highest among the groups gnomAD compares: Non-Finnish European, 0.00017%; no homozygotes.

Submissions (2):

Labcorp Genetics (formerly Invitae), Labcorp
Classification: Likely pathogenic for Dilated cardiomyopathy 1G; Autosomal recessive limb-girdle muscular dystrophy type 2J. Last evaluated: 2023-05-25. Review status: criteria provided, single submitter. Criteria: Invitae Variant Classification Sherloc (09022015). Collection method: clinical testing. Allele origin: germline.
Comment: In summary, the currently available evidence indicates that the variant is pathogenic, but additional data are needed to prove that conclusively. Therefore, this variant has been classified as Likely Pathogenic. ClinVar contains an entry for this variant (Variation ID: 47237). This variant is located in the A band of TTN (PMID: 25589632). Truncating variants in this region are significantly overrepresented in patients affected with dilated cardiomyopathy (PMID: 25589632). Truncating variants in this region have also been reported in individuals affected with autosomal recessive centronuclear myopathy (PMID: 23975875). This sequence change creates a premature translational stop signal (p.Cys22206*) in the TTN gene. While this is not anticipated to result in nonsense mediated decay, it is expected to create a truncated TTN protein. The frequency data for this variant in the population databases is considered unreliable, as metrics indicate poor data quality at this position in the gnomAD database. This variant has not been reported in the literature in individuals affected with TTN-related conditions.

Laboratory for Molecular Medicine, Mass General Brigham Personalized Medicine
Classification: Pathogenic for Primary dilated cardiomyopathy. Last evaluated: 2019-03-13. Review status: criteria provided, single submitter. Criteria: LMM Criteria. Collection method: clinical testing. Allele origin: germline. Observed: 3 variant alleles.
Comment: proposed classification - variant undergoing re-assessment, contact laboratory

Literature cited by the submitters: PubMed 25589632 (cited by Labcorp Genetics (formerly Invitae), Labcorp); PubMed 23975875 (cited by Labcorp Genetics (formerly Invitae), Labcorp); PubMed 22335739 (cited by Laboratory for Molecular Medicine, Mass General Brigham Personalized Medicine).